The following is an entry in ClinVar:

ClinVar aggregate classification (germline): Conflicting classifications of pathogenicity. Review status: criteria provided, conflicting classifications (1 of 4 stars). 7 submissions from 6 submitters: Uncertain significance (2); Benign (2); Likely benign (2). 1 of the submissions does not count toward it. Last evaluated 2026-01-26.

Conditions:
Inflammatory bowel disease 1 (IBD1). Also called: Inflammatory bowel disease 1, Crohn disease; INFLAMMATORY BOWEL DISEASE (CROHN DISEASE) 1. Identifiers: MedGen CN260071, MONDO:0009960, OMIM 266600.
Blau syndrome (BLAUS). Also called: GRANULOMATOSIS, FAMILIAL JUVENILE SYSTEMIC; GRANULOMATOSIS, FAMILIAL, BLAU TYPE; GRANULOMATOUS INFLAMMATORY ARTHRITIS, DERMATITIS, AND UVEITIS, FAMILIAL; JABS SYNDROME; ARTHROCUTANEOUVEAL GRANULOMATOSIS. Identifiers: Orphanet 90340, MedGen C5201146, MONDO:0008523, OMIM 186580.
Regional enteritis. Also called: Enteritis, Granulomatous. Identifiers: MedGen C0678202, MeSH D003424.

Allele frequency attached by ClinVar (database versions not stated): TOPMed 0.00014; ESP Exome Variant Server 0.00015; ExAC 0.00021; gnomAD exomes 0.00024.
gnomAD v4.1: 211 of 1,614,070 alleles (0.013%); highest among the groups gnomAD compares: Admixed American, 0.018%; no homozygotes.

Submissions (7):

Labcorp Genetics (formerly Invitae), Labcorp
Classification: Benign for Regional enteritis; Blau syndrome. Last evaluated: 2026-01-26. Review status: criteria provided, single submitter. Criteria: Invitae Variant Classification Sherloc (09022015). Collection method: clinical testing. Allele origin: germline.

Blueprint Genetics
Classification: Uncertain significance. Last evaluated: 2024-08-16. Review status: criteria provided, single submitter. Criteria: ACMG Guidelines, 2015. Collection method: clinical testing. Allele origin: germline.

CeGaT Center for Human Genetics Tuebingen
Classification: Likely benign. Last evaluated: 2024-05-01. Review status: criteria provided, single submitter. Criteria: CeGaT Center For Human Genetics Tuebingen Variant Classification Criteria Version 2. Collection method: clinical testing. Allele origin: germline. Affected: yes. Observed: 1 variant allele.
Comment: NOD2: BP4

ARUP Laboratories, Molecular Genetics and Genomics, ARUP Laboratories
Classification: Likely benign. Last evaluated: 2021-07-30. Review status: criteria provided, single submitter. Criteria: ARUP Molecular Germline Variant Investigation Process 2021. Collection method: clinical testing. Allele origin: germline.

Illumina Laboratory Services, Illumina
Classification: Uncertain significance for Inflammatory bowel disease 1. Last evaluated: 2017-04-27. Review status: criteria provided, single submitter. Criteria: ICSL Variant Classification Criteria 13 December 2019. Collection method: clinical testing. Allele origin: germline.
Comment: This variant was observed as part of a predisposition screen in an ostensibly healthy population. A literature search was performed for the gene, cDNA change, and amino acid change (where applicable). Publications were found based on this search. However, the evidence from the literature, in combination with allele frequency data from public databases where available, was not sufficient to rule this variant in or out of causing disease. Therefore, this variant is classified as a variant of unknown significance.

Illumina Laboratory Services, Illumina
Classification: Benign for Blau syndrome. Last evaluated: 2017-04-27. Review status: criteria provided, single submitter. Criteria: ICSL Variant Classification Criteria 13 December 2019. Collection method: clinical testing. Allele origin: germline.
Comment: This variant was observed as part of a predisposition screen in an ostensibly healthy population. A literature search was performed for the gene, cDNA change, and amino acid change (where applicable). No publications were found based on this search. Allele frequency data from public databases was too high to be consistent with this variant causing disease. Therefore, this variant is classified as benign.

Unité médicale des maladies autoinflammatoires, CHRU Montpellier
No classification provided. Condition: Sarcoidosis, early-onset. Review status: no classification provided. Collection method: not provided. Allele origin: unknown. Not counted in ClinVar's aggregate classification.
Comment: also involved in OMIM 186580 and 266600

Literature cited by the submitters: PubMed 26500656 (cited by Illumina Laboratory Services, Illumina); PubMed 15024686 (cited by Illumina Laboratory Services, Illumina).

NM_001370466.1(NOD2):c.989A>C (p.Asp330Ala)

Gene: NOD2 (nucleotide binding oligomerization domain containing 2; plus strand). Cytogenetic location: 16q12.1.
Variant type: single nucleotide variant.
Coding change: c.989A>C on transcript NM_001370466.1 (MANE Select); coding-DNA position 989, A replaced by C.
Protein change: p.Asp330Ala; replaces aspartic acid 330 with alanine.
Molecular consequence: missense variant. On other transcripts: non-coding transcript variant (1).
Genome position (GRCh38, 1-based): chr16:50,710,981, A>C. VCF-style: chr16-50710981-A-C. GRCh37 (hg19) VCF-style: chr16-50744892-A-C.
Other names: c.1070A>C (LRG_177t1); c.989A>C, p.Asp330Ala (NM_001293557.2); c.1070A>C, p.Asp357Ala (NM_022162.3); short protein forms D357A, D330A.
Identifiers: ClinVar variation 97819 (VCV000097819.40), dbSNP rs104895469, ClinGen allele CA150169.